The following is an entry in ClinVar:

ClinVar aggregate classification (germline): Uncertain significance (1 of 4 stars; one submission).

Conditions:
Congenital sideroblastic anemia-B-cell immunodeficiency-periodic fever-developmental delay syndrome. Also called: Sideroblastic anemia with B-cell immunodeficiency, periodic fevers, and developmental delay. Identifiers: Orphanet 369861, MedGen C4015172, MONDO:0014487, OMIM 616084.

Allele frequency attached by ClinVar (database versions not stated): gnomAD exomes below 0.00001; TOPMed below 0.00001; ExAC 0.00001.

Submission:

Labcorp Genetics (formerly Invitae), Labcorp
Classification: Uncertain significance for Congenital sideroblastic anemia-B-cell immunodeficiency-periodic fever-developmental delay syndrome. Last evaluated: 2020-04-21. Review status: criteria provided, single submitter. Criteria: Invitae Variant Classification Sherloc (09022015). Collection method: clinical testing. Allele origin: germline.
Comment: This variant has not been reported in the literature in individuals with TRNT1-related conditions. This sequence change replaces glycine with valine at codon 133 of the TRNT1 protein (p.Gly133Val). The glycine residue is highly conserved and there is a moderate physicochemical difference between glycine and valine. This variant is present in population databases (rs759253937, ExAC 0.009%). Algorithms developed to predict the effect of missense changes on protein structure and function are either unavailable or do not agree on the potential impact of this missense change (SIFT: "Deleterious"; PolyPhen-2: "Probably Damaging"; Align-GVGD: "Class C15"). Algorithms developed to predict the effect of sequence changes on RNA splicing suggest that this variant may create or strengthen a splice site, but this prediction has not been confirmed by published transcriptional studies. In summary, the available evidence is currently insufficient to determine the role of this variant in disease. Therefore, it has been classified as a Variant of Uncertain Significance.

NM_182916.3(TRNT1):c.398G>T (p.Gly133Val)

Gene: TRNT1 (tRNA nucleotidyl transferase 1; plus strand). Cytogenetic location: 3p26.2.
Variant type: single nucleotide variant.
Coding change: c.398G>T on transcript NM_182916.3 (MANE Select); coding-DNA position 398, G replaced by T.
Protein change: p.Gly133Val; replaces glycine 133 with valine.
Molecular consequence: missense variant. On other transcripts: non-coding transcript variant (6).
Genome position (GRCh38, 1-based): chr3:3,140,565, G>T. VCF-style: chr3-3140565-G-T. GRCh37 (hg19) VCF-style: chr3-3182249-G-T.
Other names: c.398G>T, p.Gly133Val (NM_001302946.2, NM_001367321.1, NM_001367322.1 and 1 more transcripts); short protein forms G133V.
Identifiers: ClinVar variation 1021489 (VCV001021489.4), dbSNP rs759253937, ClinGen allele CA2228639.